The following is an entry in ClinVar:

NM_018112.3(TMEM38B):c.237C>A (p.Asn79Lys)

Gene: TMEM38B (transmembrane protein 38B; plus strand). Cytogenetic location: 9q31.2.
Variant type: single nucleotide variant.
Coding change: c.237C>A on transcript NM_018112.3 (MANE Select); coding-DNA position 237, C replaced by A.
Protein change: p.Asn79Lys; replaces asparagine 79 with lysine.
Molecular consequence: missense variant.
Genome position (GRCh38, 1-based): chr9:105,705,721, C>A. VCF-style: chr9-105705721-C-A. GRCh37 (hg19) VCF-style: chr9-108468002-C-A.
Other names: short protein forms N79K.
Identifiers: ClinVar variation 2116996 (VCV002116996.2), dbSNP rs774533828, ClinGen allele CA198226907.

ClinVar aggregate classification (germline): Uncertain significance (1 of 4 stars; one submission).

Allele frequency attached by ClinVar (database versions not stated): gnomAD 0.00001.
gnomAD v4.1: 2 of 1,613,668 alleles (0.00012%); highest among the groups gnomAD compares: Admixed American, 0.0017%; no homozygotes.

Submission:

Labcorp Genetics (formerly Invitae), Labcorp
Classification: Uncertain significance. Last evaluated: 2022-07-11. Review status: criteria provided, single submitter. Criteria: Invitae Variant Classification Sherloc (09022015). Collection method: clinical testing. Allele origin: germline.
Comment: In summary, the available evidence is currently insufficient to determine the role of this variant in disease. Therefore, it has been classified as a Variant of Uncertain Significance. Algorithms developed to predict the effect of missense changes on protein structure and function (SIFT, PolyPhen-2, Align-GVGD) all suggest that this variant is likely to be tolerated. This variant has not been reported in the literature in individuals affected with TMEM38B-related conditions. This variant is not present in population databases (gnomAD no frequency). This sequence change replaces asparagine, which is neutral and polar, with lysine, which is basic and polar, at codon 79 of the TMEM38B protein (p.Asn79Lys).